The following is an entry in ClinVar:

ClinVar aggregate classification (germline): Uncertain significance (1 of 4 stars; one submission).

Allele frequency attached by ClinVar (database versions not stated): gnomAD 0.00001; gnomAD exomes 0.00001.
gnomAD v4.1: 8 of 1,613,982 alleles (0.0005%); highest among the groups gnomAD compares: Non-Finnish European, 0.00068%; no homozygotes.

Submission:

GeneDx
Classification: Uncertain significance. Last evaluated: 2019-10-08. Review status: criteria provided, single submitter. Criteria: GeneDx Variant Classification Process June 2021. Collection method: clinical testing. Allele origin: germline. Affected: yes.
Comment: Not observed in large population cohorts (Lek et al., 2016); In silico analysis, which includes protein predictors and evolutionary conservation, supports a deleterious effect; Has not been previously published as pathogenic or benign to our knowledge

NM_018489.3(ASH1L):c.7901T>C (p.Met2634Thr)

Gene: ASH1L (ASH1 like histone lysine methyltransferase; minus strand). Cytogenetic location: 1q22.
Variant type: single nucleotide variant.
Coding change: c.7901T>C on transcript NM_018489.3 (MANE Select); coding-DNA position 7901, T replaced by C.
Protein change: p.Met2634Thr; replaces methionine 2634 with threonine.
Molecular consequence: missense variant.
Genome position (GRCh38, 1-based): chr1:155,344,263, A>G on the plus strand (T>C on the coding strand, the complement: ASH1L is on the minus strand). VCF-style: chr1-155344263-A-G. GRCh37 (hg19) VCF-style: chr1-155314054-A-G.
Other names: c.7916T>C, p.Met2639Thr (NM_001366177.2); short protein forms M2634T, M2639T.
Identifiers: ClinVar variation 1318738 (VCV001318738.2), dbSNP rs1653045613, ClinGen allele CA342731982.